The following is an entry in ClinVar:

NM_024753.5(TTC21B):c.2095C>T (p.Leu699=)

Gene: TTC21B (tetratricopeptide repeat domain 21B; minus strand). Cytogenetic location: 2q24.3.
Variant type: single nucleotide variant.
Coding change: c.2095C>T on transcript NM_024753.5 (MANE Select); coding-DNA position 2095, C replaced by T.
Protein change: p.Leu699=; no amino-acid change (leucine 699 retained).
Molecular consequence: synonymous variant.
Genome position (GRCh38, 1-based): chr2:165,915,244, G>A on the plus strand (C>T on the coding strand, the complement: TTC21B is on the minus strand). VCF-style: chr2-165915244-G-A. GRCh37 (hg19) VCF-style: chr2-166771754-G-A.
Other names: c.2095C>T (NM_024753.4).
Identifiers: ClinVar variation 2151836 (VCV002151836.5), dbSNP rs200182771, ClinGen allele CA1941942.

ClinVar aggregate classification (germline): Likely benign. Review status: criteria provided, multiple submitters, no conflicts (2 of 4 stars). 2 submissions from 2 submitters: Likely benign (2). Last evaluated 2025-10-20.

Conditions:
TTC21B-related disorder. Also called: TTC21B-related condition; TTC21B-related disorders.
Jeune thoracic dystrophy. Also called: Short-rib thoracic dysplasia; Jeune syndrome; Infantile thoracic dystrophy; Thoracic pelvic phalangeal dystrophy; Jeune's syndrome; Chondroectodermal dysplasia-like syndrome. Identifiers: Orphanet 474, MedGen C0265275, MONDO:0018770.
Nephronophthisis. Also called: Juvenile Nephronophthisis. Identifiers: Orphanet 655, MedGen C0687120, MONDO:0019005, HP:0000090.

Allele frequency attached by ClinVar (database versions not stated): gnomAD 0.00001; ExAC 0.00002; TOPMed 0.00003.
gnomAD v4.1: 35 of 1,613,898 alleles (0.0022%); highest among the groups gnomAD compares: African/African-American, 0.0013%; no homozygotes.

Submissions (2):

PreventionGenetics, part of Exact Sciences
Classification: Likely benign for TTC21B-related condition. Last evaluated: 2025-10-20. Review status: criteria provided, single submitter. Criteria: ACMG Guidelines, 2015. Collection method: clinical testing. Allele origin: germline.
Comment: This variant is classified as likely benign based on ACMG/AMP sequence variant interpretation guidelines (Richards et al. 2015 PMID: 25741868, with internal and published modifications).

Labcorp Genetics (formerly Invitae), Labcorp
Classification: Likely benign for Jeune thoracic dystrophy; Nephronophthisis. Last evaluated: 2024-05-07. Review status: criteria provided, single submitter. Criteria: Invitae Variant Classification Sherloc (09022015). Collection method: clinical testing. Allele origin: germline.